The following is an entry in ClinVar:

NM_006031.6(PCNT):c.4731del (p.Val1578fs)

Gene: PCNT (pericentrin; plus strand). Cytogenetic location: 21q22.3.
Variant type: Deletion.
Coding change: c.4731del on transcript NM_006031.6 (MANE Select); coding-DNA position 4731, one base deleted (A; older notation c.4731delA).
Protein change: p.Val1578fs; shifts the reading frame from valine 1578.
Molecular consequence: frameshift variant.
Genome position (GRCh38, 1-based): chr21:46,399,736, A deleted; the last of 6 consecutive A bases (chr21:46,399,731-46,399,736); deleting any one gives the same sequence. VCF-style (leftmost placement, unchanged base first): chr21-46399730-GA-G. GRCh37 (hg19) VCF-style: chr21-47819644-GA-G.
Other names: c.4377del, p.Val1460fs (NM_001315529.2); short protein forms V1460fs, V1578fs.
Identifiers: ClinVar variation 3350679 (VCV003350679.1).

ClinVar aggregate classification (germline): Pathogenic (0 of 4 stars; one submission).

Conditions:
PCNT-related disorder. Also called: PCNT-related condition.

Submission:

PreventionGenetics, part of Exact Sciences
Classification: Pathogenic for PCNT-related condition. Last evaluated: 2024-04-24. Review status: no assertion criteria provided. Collection method: clinical testing. Allele origin: germline.
Comment: The PCNT c.4731delA variant is predicted to result in a frameshift and premature protein termination (p.Val1578Trpfs*15). To our knowledge, this variant has not been reported in the literature or in a large population database, indicating this variant is rare. Frameshift variants in PCNT are expected to be pathogenic. This variant is interpreted as pathogenic.